The following is an entry in ClinVar:

NM_017654.4(SAMD9):c.3016C>G (p.Gln1006Glu)

Gene: SAMD9 (sterile alpha motif domain containing 9; minus strand). Cytogenetic location: 7q21.2.
Variant type: single nucleotide variant.
Coding change: c.3016C>G on transcript NM_017654.4 (MANE Select); coding-DNA position 3016, C replaced by G.
Protein change: p.Gln1006Glu; replaces glutamine 1006 with glutamic acid.
Molecular consequence: missense variant.
Genome position (GRCh38, 1-based): chr7:93,103,082, G>C on the plus strand (C>G on the coding strand, the complement: SAMD9 is on the minus strand). VCF-style: chr7-93103082-G-C. GRCh37 (hg19) VCF-style: chr7-92732395-G-C.
Other names: c.3016C>G, p.Gln1006Glu (NM_001193307.2); short protein forms Q1006E.
Identifiers: ClinVar variation 3381355 (VCV003381355.1).

ClinVar aggregate classification (germline): Uncertain significance (1 of 4 stars; one submission).

Submission:

GeneDx
Classification: Uncertain significance. Last evaluated: 2024-05-24. Review status: criteria provided, single submitter. Criteria: GeneDx Variant Classification Process June 2021. Collection method: clinical testing. Allele origin: germline. Affected: yes.
Comment: Not observed at significant frequency in large population cohorts (gnomAD); In silico analysis indicates that this missense variant does not alter protein structure/function; Has not been previously published as pathogenic or benign to our knowledge; This variant is associated with the following publications: (PMID: 28545555)